The following is an entry in ClinVar:

ClinVar aggregate classification (germline): Likely pathogenic (1 of 4 stars; one submission).

Conditions:
Autosomal recessive nonsyndromic hearing loss 12. Also called: DEAFNESS, AUTOSOMAL RECESSIVE 12. Identifiers: Orphanet 90636, MedGen C1832394, MONDO:0011067, OMIM 601386.

Submission:

Institute of Rare Diseases, West China Hospital, Sichuan University
Classification: Likely pathogenic for Autosomal recessive nonsyndromic hearing loss 12. Last evaluated: 2025-01-09. Review status: criteria provided, single submitter. Criteria: ClinGen HL ACMG Specifications v1. Collection method: research. Allele origin: germline. Affected: yes.
Comment: PVS1;PM2_Supporting

NM_022124.6(CDH23):c.6688del (p.Ala2230fs)

Gene: CDH23 (cadherin related 23; plus strand). Cytogenetic location: 10q22.1.
Variant type: Deletion.
Coding change: c.6688del on transcript NM_022124.6 (MANE Select); coding-DNA position 6688, one base deleted (G; older notation c.6688delG).
Protein change: p.Ala2230fs; shifts the reading frame from alanine 2230.
Molecular consequence: frameshift variant.
Genome position (GRCh38, 1-based): chr10:71,793,616, G deleted. VCF-style (leftmost placement, unchanged base first): chr10-71793615-CG-C. GRCh37 (hg19) VCF-style: chr10-73553372-CG-C.
Other names: short protein forms A2230fs.
Identifiers: ClinVar variation 3601534 (VCV003601534.1).